The following is an entry in ClinVar:

NM_001039876.3(SYNE4):c.*5T>C

Gene: SYNE4 (spectrin repeat containing nuclear envelope family member 4; minus strand). Cytogenetic location: 19q13.12.
Variant type: single nucleotide variant.
Coding change: c.*5T>C on transcript NM_001039876.3 (MANE Select); 5 bases downstream of the stop codon, T replaced by C.
Molecular consequence: 3 prime UTR variant.
Genome position (GRCh38, 1-based): chr19:36,003,332, A>G on the plus strand (T>C on the coding strand, the complement: SYNE4 is on the minus strand). VCF-style: chr19-36003332-A-G. GRCh37 (hg19) VCF-style: chr19-36494234-A-G.
Other names: c.*5T>C (NM_001297735.3, NM_001039876.2).
Identifiers: ClinVar variation 227083 (VCV000227083.11), dbSNP rs73928380, ClinGen allele CA9393724.

ClinVar aggregate classification (germline): Benign. Review status: criteria provided, multiple submitters, no conflicts (2 of 4 stars). 4 submissions from 4 submitters: Benign (3). 1 of the submissions does not count toward it. Last evaluated 2020-02-04.

Conditions:
SYNE4-related disorder. Also called: SYNE4-related condition.

Allele frequency attached by ClinVar (database versions not stated): gnomAD exomes 0.00023 and 0.00060; ExAC 0.00077; ESP Exome Variant Server 0.00168; 1000 Genomes Project 30x 0.00203; 1000 Genomes Project 0.00220; gnomAD 0.00253 and 0.00275; TOPMed 0.00289.
gnomAD v4.1: 727 of 1,613,978 alleles (0.045%); highest among the groups gnomAD compares: African/African-American, 0.86%; 3 homozygotes.

Submissions (4):

GeneDx
Classification: Benign. Last evaluated: 2020-02-04. Review status: criteria provided, single submitter. Criteria: GeneDx Variant Classification Process June 2021. Collection method: clinical testing. Allele origin: germline. Affected: yes.

Laboratory for Molecular Medicine, Mass General Brigham Personalized Medicine
Classification: Benign. Last evaluated: 2014-11-24. Review status: criteria provided, single submitter. Criteria: LMM Criteria. Collection method: clinical testing. Allele origin: germline. Observed: 1 variant allele.
Comment: *5T>C in exon 8 of SYNE4: This variant is not expected to have clinical signific ance because it has been identified in 0.5% (21/4110) of African American chromo somes from a broad population by the NHLBI Exome Sequencing Project (.; dbSNP rs73928380).

Breakthrough Genomics
Classification: Benign. Review status: criteria provided, single submitter. Criteria: ACMG Guidelines, 2015. Collection method: not provided. Allele origin: germline. Inheritance: Autosomal recessive inheritance. Affected: yes.

PreventionGenetics, part of Exact Sciences
Classification: Likely benign for SYNE4-related condition. Last evaluated: 2019-11-26. Review status: no assertion criteria provided. Collection method: clinical testing. Allele origin: germline. Not counted in ClinVar's aggregate classification.
Comment: This variant is classified as likely benign based on ACMG/AMP sequence variant interpretation guidelines (Richards et al. 2015 PMID: 25741868, with internal and published modifications).